The following is an entry in ClinVar:

ClinVar aggregate classification (germline): Uncertain significance (1 of 4 stars; one submission).

Submission:

Labcorp Genetics (formerly Invitae), Labcorp
Classification: Uncertain significance. Last evaluated: 2022-01-17. Review status: criteria provided, single submitter. Criteria: Invitae Variant Classification Sherloc (09022015). Collection method: clinical testing. Allele origin: germline.
Comment: In summary, the available evidence is currently insufficient to determine the role of this variant in disease. Therefore, it has been classified as a Variant of Uncertain Significance. Algorithms developed to predict the effect of sequence changes on RNA splicing suggest that this variant may create or strengthen a splice site. Algorithms developed to predict the effect of missense changes on protein structure and function are either unavailable or do not agree on the potential impact of this missense change (SIFT: "Deleterious"; PolyPhen-2: "Probably Damaging"; Align-GVGD: "Class C15"). This variant has not been reported in the literature in individuals affected with POLE-related conditions. This variant is not present in population databases (gnomAD no frequency). This sequence change replaces arginine, which is basic and polar, with serine, which is neutral and polar, at codon 1839 of the POLE protein (p.Arg1839Ser).

NM_006231.4(POLE):c.5515C>A (p.Arg1839Ser)

Gene: POLE (DNA polymerase epsilon, catalytic subunit; minus strand). Cytogenetic location: 12q24.33.
Variant type: single nucleotide variant.
Coding change: c.5515C>A on transcript NM_006231.4 (MANE Select); coding-DNA position 5515, C replaced by A.
Protein change: p.Arg1839Ser; replaces arginine 1839 with serine.
Molecular consequence: missense variant.
Genome position (GRCh38, 1-based): chr12:132,639,162, G>T on the plus strand (C>A on the coding strand, the complement: POLE is on the minus strand). VCF-style: chr12-132639162-G-T. GRCh37 (hg19) VCF-style: chr12-133215748-G-T.
Other names: short protein forms R1839S.
Identifiers: ClinVar variation 2086422 (VCV002086422.4), dbSNP rs141519273, ClinGen allele CA387374609.